The following is an entry in ClinVar:

NM_152416.4(NDUFAF6):c.773T>C (p.Val258Ala)

Gene: NDUFAF6 (NADH:ubiquinone oxidoreductase complex assembly factor 6; plus strand). Cytogenetic location: 8q22.1.
Variant type: single nucleotide variant.
Coding change: c.773T>C on transcript NM_152416.4 (MANE Select); coding-DNA position 773, T replaced by C.
Protein change: p.Val258Ala; replaces valine 258 with alanine.
Molecular consequence: missense variant. On other transcripts: non-coding transcript variant (6).
Genome position (GRCh38, 1-based): chr8:95,048,515, T>C. VCF-style: chr8-95048515-T-C. GRCh37 (hg19) VCF-style: chr8-96060743-T-C.
Other names: c.317T>C, p.Val106Ala (NM_001354525.2, NM_001354527.2, NM_001354528.2 and 7 more transcripts); c.440T>C, p.Val147Ala (NM_001354534.2, NM_001354517.2, NM_001354518.2 and 1 more transcripts); c.497T>C, p.Val166Ala (NM_001330582.2, NM_001354514.2, NM_001354515.2 and 1 more transcripts); c.617T>C, p.Val206Ala (NM_001354516.2); short protein forms V258A, V147A, V166A, V206A, V106A.
Identifiers: ClinVar variation 449591 (VCV000449591.7), dbSNP rs745941126, ClinGen allele CA4814899.

ClinVar aggregate classification (germline): Uncertain significance. Review status: criteria provided, multiple submitters, no conflicts (2 of 4 stars). 4 submissions from 4 submitters: Uncertain significance (4). Last evaluated 2026-07-21.

Conditions:
Inborn genetic diseases. Identifiers: MedGen C0950123, MeSH D030342.
Leigh syndrome (NULS). Also called: Leigh's necrotizing encephalopathy; Leigh's disease; Leigh Syndrome (mtDNA deletion); Subacute necrotizing encephalopathy; Necrotizing encephalopathy infantile subacute of Leigh; Leigh's syndrome. Identifiers: Orphanet 506, MedGen C2931891, MONDO:0009723, OMIM 256000.

Allele frequency attached by ClinVar (database versions not stated): ExAC 0.00002; TOPMed 0.00025; gnomAD 0.00015 and 0.00017; gnomAD exomes 0.00003.
gnomAD v4.1: 65 of 1,614,048 alleles (0.004%); highest among the groups gnomAD compares: African/African-American, 0.072%; no homozygotes.

Submissions (4):

GeneDx
Classification: Uncertain significance. Last evaluated: 2026-07-21. Review status: criteria provided, single submitter. Criteria: GeneDx Variant Classification Process June 2021. Collection method: clinical testing. Allele origin: germline.
Comment: In silico analysis suggests that this missense variant does not alter protein structure/function; Has not been previously published as pathogenic or benign to our knowledge; This variant is associated with the following publications: (PMID: 38720117, Pagliarini2023[preprint])

Ambry Genetics
Classification: Uncertain significance for Inborn genetic diseases. Last evaluated: 2022-09-14. Review status: criteria provided, single submitter. Criteria: Ambry Variant Classification Scheme 2023. Collection method: clinical testing. Allele origin: germline.

Labcorp Genetics (formerly Invitae), Labcorp
Classification: Uncertain significance. Last evaluated: 2022-05-29. Review status: criteria provided, single submitter. Criteria: Invitae Variant Classification Sherloc (09022015). Collection method: clinical testing. Allele origin: germline.
Comment: This sequence change replaces valine, which is neutral and non-polar, with alanine, which is neutral and non-polar, at codon 258 of the NDUFAF6 protein (p.Val258Ala). This variant is present in population databases (rs745941126, gnomAD 0.05%). This variant has not been reported in the literature in individuals affected with NDUFAF6-related conditions. ClinVar contains an entry for this variant (Variation ID: 449591). Algorithms developed to predict the effect of missense changes on protein structure and function are either unavailable or do not agree on the potential impact of this missense change (SIFT: "Tolerated"; PolyPhen-2: "Possibly Damaging"; Align-GVGD: "Class C0"). In summary, the available evidence is currently insufficient to determine the role of this variant in disease. Therefore, it has been classified as a Variant of Uncertain Significance.

Baylor Genetics
Classification: Uncertain significance for Leigh syndrome. Last evaluated: 2018-04-17. Review status: criteria provided, single submitter. Criteria: ACMG Guidelines, 2015. Collection method: clinical testing. Allele origin: maternal. Affected: yes.
Comment: This variant was determined to be of uncertain significance according to ACMG Guidelines, 2015 [PMID:25741868].